The following is an entry in ClinVar:

ClinVar aggregate classification (germline): Uncertain significance (1 of 4 stars; one submission).

Conditions:
Osteogenesis imperfecta type 6. Also called: Osteogenesis imperfecta, type VI. Identifiers: Orphanet 666, MedGen C3279564, MONDO:0013515, OMIM 613982.

Submission:

Juno Genomics, Hangzhou Juno Genomics, Inc
Classification: Uncertain significance for Osteogenesis imperfecta type 6. Review status: criteria provided, single submitter. Criteria: ACMG Guidelines, 2015. Collection method: clinical testing. Allele origin: germline. Affected: yes.
Comment: Absent from controls (or at extremely low frequency if recessive) in Genome Aggregation Database, Exome Sequencing Project, 1000 Genomes Project, or Exome Aggregation Consortium.;Multiple lines of computational evidence support a deleterious effect on the gene or gene product (conservation, evolutionary, splicing impact, etc).;For recessive disorders, detected in trans with a pathogenic variant.;Patient's phenotype or family history is highly specific for a disease with a single genetic etiology.

NM_002615.7(SERPINF1):c.377T>C (p.Leu126Pro)

Gene: SERPINF1 (serpin family F member 1; plus strand). Cytogenetic location: 17p13.3.
Variant type: single nucleotide variant.
Coding change: c.377T>C on transcript NM_002615.7 (MANE Select); coding-DNA position 377, T replaced by C.
Protein change: p.Leu126Pro; replaces leucine 126 with proline.
Molecular consequence: missense variant. On other transcripts: 5 prime UTR variant (1).
Genome position (GRCh38, 1-based): chr17:1,771,122, T>C. VCF-style: chr17-1771122-T-C. GRCh37 (hg19) VCF-style: chr17-1674416-T-C.
Other names: c.377T>C, p.Leu126Pro (NM_001329903.2); c.-185T>C (NM_001329904.2); short protein forms L126P.
Identifiers: ClinVar variation 3382697 (VCV003382697.2).